The following is an entry in ClinVar:

ClinVar aggregate classification (germline): Benign. Review status: criteria provided, multiple submitters, no conflicts (2 of 4 stars). 5 submissions from 5 submitters: Benign (5). Last evaluated 2026-02-04.

Conditions:
Muscular dystrophy-dystroglycanopathy (congenital with brain and eye anomalies), type a, 8 (MDDGA8). Also called: WALKER-WARBURG SYNDROME OR MUSCLE-EYE-BRAIN DISEASE, GTDC2-RELATED. Identifiers: Orphanet 899, MedGen C3553813, MONDO:0013904, OMIM 614830.

Allele frequency attached by ClinVar (database versions not stated): gnomAD 0.04801; 1000 Genomes Project 0.04992; ESP Exome Variant Server 0.04998; TOPMed 0.05092; 1000 Genomes Project 30x 0.05184.
gnomAD v4.1: 14,929 of 1,613,968 alleles (0.92%); highest among the groups gnomAD compares: African/African-American, 15%; 1,004 homozygotes.

Submissions (5):

Labcorp Genetics (formerly Invitae), Labcorp
Classification: Benign for Muscular dystrophy-dystroglycanopathy (congenital with brain and eye anomalies), type a, 8. Last evaluated: 2026-02-04. Review status: criteria provided, single submitter. Criteria: Invitae Variant Classification Sherloc (09022015). Collection method: clinical testing. Allele origin: germline.

Mayo Clinic Laboratories, Mayo Clinic
Classification: Benign. Last evaluated: 2018-02-20. Review status: criteria provided, single submitter. Criteria: ACMG Guidelines, 2015. Collection method: clinical testing. Allele origin: germline. Observed: 32 variant alleles.

GeneDx
Classification: Benign. Last evaluated: 2016-02-22. Review status: criteria provided, single submitter. Criteria: GeneDx Variant Classification (06012015). Collection method: clinical testing. Allele origin: germline. Affected: yes.
Comment: This variant is considered likely benign or benign based on one or more of the following criteria: it is a conservative change, it occurs at a poorly conserved position in the protein, it is predicted to be benign by multiple in silico algorithms, and/or has population frequency not consistent with disease.

Breakthrough Genomics
Classification: Benign. Review status: criteria provided, single submitter. Criteria: ACMG Guidelines, 2015. Collection method: not provided. Allele origin: germline. Inheritance: Autosomal recessive inheritance. Affected: yes.

PreventionGenetics, part of Exact Sciences
Classification: Benign. Review status: criteria provided, single submitter. Criteria: ACMG Guidelines, 2015. Collection method: clinical testing. Allele origin: germline.

NM_032806.6(POMGNT2):c.1233G>A (p.Gln411=)

Gene: POMGNT2 (protein O-linked mannose N-acetylglucosaminyltransferase 2 (beta 1,4-); minus strand). Cytogenetic location: 3p22.1.
Variant type: single nucleotide variant.
Coding change: c.1233G>A on transcript NM_032806.6 (MANE Select); coding-DNA position 1233, G replaced by A.
Protein change: p.Gln411=; no amino-acid change (glutamine 411 retained).
Molecular consequence: synonymous variant.
Genome position (GRCh38, 1-based): chr3:43,080,199, C>T on the plus strand (G>A on the coding strand, the complement: POMGNT2 is on the minus strand). VCF-style: chr3-43080199-C-T. GRCh37 (hg19) VCF-style: chr3-43121691-C-T.
Other names: p.Gln411=.
Identifiers: ClinVar variation 262103 (VCV000262103.12), dbSNP rs9811883, ClinGen allele CA2339899.